The following is an entry in ClinVar:

ClinVar aggregate classification (germline): Pathogenic (3 of 4 stars; one submission).

Conditions:
Breast-ovarian cancer, familial, susceptibility to, 2 (BROVCA2). Also called: BRCA2 Hereditary Breast and Ovarian Cancer. Identifiers: Orphanet 145, MedGen C2675520, MONDO:0012933, OMIM 612555. Disease mechanism: loss of function.

Submission:

Evidence-based Network for the Interpretation of Germline Mutant Alleles (ENIGMA)
Classification: Pathogenic for Breast-ovarian cancer, familial, susceptibility to, 2. Last evaluated: 2017-12-15. Review status: reviewed by expert panel. Criteria: ENIGMA BRCA1/2 Classification Criteria (2017-06-29). Collection method: curation. Allele origin: germline. Study: ENIGMA.
Comment: Variant allele predicted to encode a truncated non-functional protein.

NM_000059.4(BRCA2):c.4505_4506insT (p.Gln1502fs)

Gene: BRCA2 (BRCA2 DNA repair associated; plus strand). Cytogenetic location: 13q13.1.
Variant type: Insertion.
Coding change: c.4505_4506insT on transcript NM_000059.4 (MANE Select); coding-DNA positions 4505 to 4506, T inserted.
Protein change: p.Gln1502fs; shifts the reading frame from glutamine 1502.
Molecular consequence: frameshift variant.
Genome position: GRCh38 VCF-style: chr13-32338860-A-AT. GRCh37 (hg19) VCF-style: chr13-32912997-A-AT.
Other names: short protein forms Q1502fs.
Identifiers: ClinVar variation 548375 (VCV000548375.1), dbSNP rs1555283813, ClinGen allele CA658823595.